The following is an entry in ClinVar:

ClinVar aggregate classification (germline): Likely pathogenic (1 of 4 stars; one submission).

Conditions:
Occipital pachygyria and polymicrogyria. Identifiers: Orphanet 280640, MedGen C3279875, MONDO:0013583, OMIM 614115.

Submission:

Juno Genomics, Hangzhou Juno Genomics, Inc
Classification: Likely pathogenic for Occipital pachygyria and polymicrogyria. Review status: criteria provided, single submitter. Criteria: ACMG Guidelines, 2015. Collection method: clinical testing. Allele origin: germline.
Comment: Absent from controls (or at extremely low frequency if recessive) in Genome Aggregation Database.;Null variant in a gene where loss of function (LOF) is a known mechanism of disease.

NM_006059.4(LAMC3):c.3427C>T (p.Gln1143Ter)

Gene: LAMC3 (laminin subunit gamma 3; plus strand). Cytogenetic location: 9q34.12.
Variant type: single nucleotide variant.
Coding change: c.3427C>T on transcript NM_006059.4 (MANE Select); coding-DNA position 3427, C replaced by T.
Protein change: p.Gln1143Ter; replaces glutamine 1143 with a stop codon.
Molecular consequence: nonsense.
Genome position (GRCh38, 1-based): chr9:131,073,254, C>T. VCF-style: chr9-131073254-C-T. GRCh37 (hg19) VCF-style: chr9-133948641-C-T.
Other names: short protein forms Q1143*.
Identifiers: ClinVar variation 5018809 (VCV005018809.2).
Genomic context (GRCh38, chr9:131,073,254, plus strand): 5'-ACCCTTTGGCGATGGGCCATCAGTTTCCTCCTCTTCCTCTTCTTTCTACAGGAGATTCCT[C>T]AGGAAGGTCCCAGTCAGCCGACCAAATGGAGCCACCTGGCCACAGAGGCCCGTGCCCTCG-3'